The following is an entry in ClinVar:

NM_004104.5(FASN):c.4981G>A (p.Val1661Met)

Gene: FASN (fatty acid synthase; minus strand). Cytogenetic location: 17q25.3.
Variant type: single nucleotide variant.
Coding change: c.4981G>A on transcript NM_004104.5 (MANE Select); coding-DNA position 4981, G replaced by A.
Protein change: p.Val1661Met; replaces valine 1661 with methionine.
Molecular consequence: missense variant.
Genome position (GRCh38, 1-based): chr17:82,084,092, C>T on the plus strand (G>A on the coding strand, the complement: FASN is on the minus strand). VCF-style: chr17-82084092-C-T. GRCh37 (hg19) VCF-style: chr17-80041968-C-T.
Other names: short protein forms V1661M.
Identifiers: ClinVar variation 582004 (VCV000582004.11), dbSNP rs369709982, ClinGen allele CA8851869.

ClinVar aggregate classification (germline): Uncertain significance (1 of 4 stars; one submission).

Conditions:
Epileptic encephalopathy. Identifiers: MedGen C0543888, HP:0200134.

Allele frequency attached by ClinVar (database versions not stated): gnomAD exomes 0.00003; ExAC 0.00006; gnomAD 0.00011; TOPMed 0.00012; ESP Exome Variant Server 0.00016.
gnomAD v4.1: 32 of 1,565,204 alleles (0.002%); highest among the groups gnomAD compares: African/African-American, 0.037%; no homozygotes.

Submission:

Labcorp Genetics (formerly Invitae), Labcorp
Classification: Uncertain significance for Epileptic encephalopathy. Last evaluated: 2023-07-25. Review status: criteria provided, single submitter. Criteria: Invitae Variant Classification Sherloc (09022015). Collection method: clinical testing. Allele origin: germline.
Comment: This sequence change replaces valine, which is neutral and non-polar, with methionine, which is neutral and non-polar, at codon 1661 of the FASN protein (p.Val1661Met). This variant is present in population databases (rs369709982, gnomAD 0.04%). This variant has not been reported in the literature in individuals affected with FASN-related conditions. ClinVar contains an entry for this variant (Variation ID: 582004). An algorithm developed to predict the effect of missense changes on protein structure and function (PolyPhen-2) suggests that this variant is likely to be disruptive. In summary, the available evidence is currently insufficient to determine the role of this variant in disease. Therefore, it has been classified as a Variant of Uncertain Significance.